The following is an entry in ClinVar:

NM_152564.5(VPS13B):c.10871G>A (p.Trp3624Ter)

Gene: VPS13B (vacuolar protein sorting 13 homolog B; plus strand). Cytogenetic location: 8q22.2.
Variant type: single nucleotide variant.
Coding change: c.10871G>A on transcript NM_152564.5 (MANE Select); coding-DNA position 10871, G replaced by A.
Protein change: p.Trp3624Ter; replaces tryptophan 3624 with a stop codon.
Molecular consequence: nonsense.
Genome position (GRCh38, 1-based): chr8:99,859,307, G>A. VCF-style: chr8-99859307-G-A. GRCh37 (hg19) VCF-style: chr8-100871535-G-A.
Other names: c.10946G>A, p.Trp3649Ter (NM_017890.5); short protein forms W3649*, W3624*.
Identifiers: ClinVar variation 56631 (VCV000056631.9), dbSNP rs386834057, ClinGen allele CA263996.
Genomic context (GRCh38, chr8:99,859,307, plus strand): 5'-ATGTTGAAAGTTCTGCATTTGAGGTTTCAATCACCCCTTCCCTCTTGTGCGTTGCAGGCT[G>A]GGTAGTTGGGTCTCTGGATATTCTTGGCAGCCCTGCAAGCCTGGTGAGAAGCATCGGGAA-3'

ClinVar aggregate classification (germline): Pathogenic/Likely pathogenic. Review status: criteria provided, multiple submitters, no conflicts (2 of 4 stars). 6 submissions from 6 submitters: Pathogenic (3); Likely pathogenic (1). 2 of the submissions do not count toward it. Last evaluated 2025-08-28.

Conditions:
Cohen syndrome (COH1). Also called: PEPPER SYNDROME; Cutis verticis gyrata, retinitis pigmentosa, and sensorineural deafness. Identifiers: Orphanet 193, MedGen C0265223, MONDO:0008999, OMIM 216550.

Allele frequency attached by ClinVar (database versions not stated): gnomAD exomes below 0.00001; TOPMed 0.00001.
gnomAD v4.1: 2 of 1,613,598 alleles (0.00012%); highest among the groups gnomAD compares: Non-Finnish European, 0.00017%; no homozygotes.

Submissions (6):

Natera, Inc.
Classification: Pathogenic for Cohen syndrome. Last evaluated: 2025-08-28. Review status: criteria provided, single submitter. Criteria: Natera Variant Classification Schema (03/2026). Collection method: clinical testing. Allele origin: germline.
Comment: The c.10946G>A variant in VPS13B is a nonsense variant predicted to introduce a stop codon at amino acid 3649. This variant is expected to result in nonsense mediated decay, truncation, or a dysfunctional protein product. This variant is rare in the general population with a frequency below the threshold expected for the associated phenotype(s). This variant has been observed in one or more individuals affected with the associated recessive disease, as either homozygous or compound heterozygous with a second variant (PMID: 19006247). Additionally, this variant has been observed to segregate in affected family members (PMID: 19006247). Given the available evidence, this variant is classified as Pathogenic.

Labcorp Genetics (formerly Invitae), Labcorp
Classification: Pathogenic for Cohen syndrome. Last evaluated: 2024-03-29. Review status: criteria provided, single submitter. Criteria: Invitae Variant Classification Sherloc (09022015). Collection method: clinical testing. Allele origin: germline.
Comment: This sequence change creates a premature translational stop signal (p.Trp3649*) in the VPS13B gene. It is expected to result in an absent or disrupted protein product. Loss-of-function variants in VPS13B are known to be pathogenic (PMID: 15141358, 16648375, 20461111). This variant is not present in population databases (gnomAD no frequency). This premature translational stop signal has been observed in individual(s) with Cohen syndrome (PMID: 19006247). ClinVar contains an entry for this variant (Variation ID: 56631). For these reasons, this variant has been classified as Pathogenic.

Women's Health and Genetics/Laboratory Corporation of America, LabCorp
Classification: Likely pathogenic for Cohen syndrome. Last evaluated: 2018-05-10. Review status: criteria provided, single submitter. Criteria: LabCorp Variant Classification Summary - May 2015. Collection method: clinical testing. Allele origin: germline.
Comment: Variant summary: VPS13B c.10946G>A (p.Trp3649X) results in a premature termination codon, predicted to cause a truncation of the encoded protein or absence of the protein due to nonsense mediated decay, which are commonly known mechanisms for disease. Truncations downstream of this position have been classified as pathogenic by our laboratory (e.g., p.Pro3969fsX41). The variant was absent in 246322 control chromosomes. c.10946G>A has been reported in the literature in two family members affected with Cohen Syndrome. These data indicate that the variant may be associated with disease. To our knowledge, no experimental evidence demonstrating an impact on protein function has been reported. One clinical diagnostic laboratory has submitted clinical-significance assessments for this variant to ClinVar after 2014 and classified the variant as pathogenic. Based on the evidence outlined above, the variant was classified as likely pathogenic.

GeneDx
Classification: Pathogenic. Last evaluated: 2016-12-08. Review status: criteria provided, single submitter. Criteria: GeneDx Variant Classification (06012015). Collection method: clinical testing. Allele origin: germline. Affected: yes.
Comment: The W3649X nonsense variant in the VPS13B gene has been reported previously in association with Cohen syndrome (Seifert et al., 2009). This variant is predicted to cause loss of normal protein function either through protein truncation or nonsense-mediated mRNA decay. Based on currently available evidence, we consider W3649X to be pathogenic.

Counsyl
Classification: Likely pathogenic for Cohen syndrome. Last evaluated: 2018-01-05. Review status: no assertion criteria provided. Collection method: clinical testing. Allele origin: unknown. Not counted in ClinVar's aggregate classification.

Juha Muilu Group; Institute for Molecular Medicine Finland (FIMM)
Classification: Likely pathogenic for Cohen syndrome. Review status: no assertion criteria provided. Collection method: not provided. Allele origin: unknown. Not counted in ClinVar's aggregate classification.
Comment: FinDis database variant: This variant was not found or characterized by our laboratory, data were collected from public sources: see reference
ClinVar note: Converted during submission from probable-pathogenic to Likely pathogenic.

Literature cited by the submitters: PubMed 19006247 (cited by 4 submitters); PubMed 15141358 (cited by Labcorp Genetics (formerly Invitae), Labcorp); PubMed 16648375 (cited by Labcorp Genetics (formerly Invitae), Labcorp); PubMed 20461111 (cited by Labcorp Genetics (formerly Invitae), Labcorp).